The following is an entry in ClinVar:

ClinVar aggregate classification (germline): no classifications from unflagged records (0 of 4 stars; one submission).

Conditions:
Mitochondrial complex IV deficiency, nuclear type 1 (MC4DN1). Also called: Mitochondrial complex IV deficiency; COX DEFICIENCY; Complex 4 mitochondrial respiratory chain deficiency; Deficiency of mitochondrial respiratory chain complex4; Complex IV deficiency. Identifiers: MedGen C5435656, MONDO:0700250, OMIM 220110. Disease mechanism: loss of function.

Submission:

OMIM
Classification: Pathogenic for MITOCHONDRIAL COMPLEX IV DEFICIENCY, NUCLEAR TYPE 14 (1 patient). Last evaluated: 2015-03-01. Review status: flagged submission. Collection method: literature only. Allele origin: germline.
ClinVar note: Notes: Flagging candidate with reason of insufficient supporting evidence. This gene has been classified as having a limited gene-disease relationship by a ClinGen Expert Panel.
ClinVar note: Reason: P/LP classification for a variant in a gene with insufficient evidence for a gene-disease relationship

Literature cited by the submitters: PubMed 25604084.

NM_001040431.3(COA3):c.199dup (p.Leu67fs)

Gene: COA3 (cytochrome c oxidase assembly factor 3; minus strand). Cytogenetic location: 17q21.2.
Variant type: Duplication.
Coding change: c.199dup on transcript NM_001040431.3 (MANE Select); coding-DNA position 199, one base duplicated (C; older notation c.199dupC).
Protein change: p.Leu67fs; shifts the reading frame from leucine 67.
Molecular consequence: frameshift variant.
Genome position (GRCh38, 1-based): chr17:42,798,483, G duplicated on the plus strand (C on the coding strand, the reverse complement: COA3 is on the minus strand); the first of 3 consecutive G bases (chr17:42,798,483-42,798,485); duplicating any one gives the same sequence. VCF-style (leftmost placement, unchanged base first): chr17-42798482-A-AG. GRCh37 (hg19) VCF-style: chr17-40950500-A-AG.
Other names: short protein forms L67fs.
Identifiers: ClinVar variation 190477 (VCV000190477.1), dbSNP rs757472611, ClinGen allele CA212198.